The following is an entry in ClinVar:

ClinVar aggregate classification (germline): Uncertain significance (1 of 4 stars; one submission).

Conditions:
Woodhouse-Sakati syndrome. Also called: Hypogonadism, Alopecia, Diabetes Mellitus, Mental Retardation, and Extrapyramidal Syndrome; Hypogonadism, diabetes mellitus, alopecia, mental retardation and electrocardiographic abnormalities; EXTRAPYRAMIDAL DISORDER, PROGRESSIVE, WITH PRIMARY HYPOGONADISM, MENTAL RETARDATION, AND ALOPECIA. Identifiers: Orphanet 3464, MedGen C0342286, MONDO:0009419, OMIM 241080.

Allele frequency attached by ClinVar (database versions not stated): gnomAD exomes below 0.00001.
gnomAD v4.1: 1 of 1,614,130 alleles (0.000062%); highest among the groups gnomAD compares: Non-Finnish European, 0.000085%; no homozygotes.

Submission:

Labcorp Genetics (formerly Invitae), Labcorp
Classification: Uncertain significance for Woodhouse-Sakati syndrome. Last evaluated: 2021-08-27. Review status: criteria provided, single submitter. Criteria: Invitae Variant Classification Sherloc (09022015). Collection method: clinical testing. Allele origin: germline.
Comment: This sequence change replaces asparagine with aspartic acid at codon 309 of the DCAF17 protein (p.Asn309Asp). The asparagine residue is highly conserved and there is a small physicochemical difference between asparagine and aspartic acid. This variant is not present in population databases (ExAC no frequency). This variant has not been reported in the literature in individuals affected with DCAF17-related conditions. Algorithms developed to predict the effect of missense changes on protein structure and function are either unavailable or do not agree on the potential impact of this missense change (SIFT: "Tolerated"; PolyPhen-2: "Possibly Damaging"; Align-GVGD: "Class C0"). In summary, the available evidence is currently insufficient to determine the role of this variant in disease. Therefore, it has been classified as a Variant of Uncertain Significance.

NM_025000.4(DCAF17):c.925A>G (p.Asn309Asp)

Gene: DCAF17 (DDB1 and CUL4 associated factor 17; plus strand). Cytogenetic location: 2q31.1.
Variant type: single nucleotide variant.
Coding change: c.925A>G on transcript NM_025000.4 (MANE Select); coding-DNA position 925, A replaced by G.
Protein change: p.Asn309Asp; replaces asparagine 309 with aspartic acid.
Molecular consequence: missense variant. On other transcripts: non-coding transcript variant (1).
Genome position (GRCh38, 1-based): chr2:171,468,974, A>G. VCF-style: chr2-171468974-A-G. GRCh37 (hg19) VCF-style: chr2-172325484-A-G.
Other names: c.925A>G, p.Asn309Asp (NM_001164821.2); short protein forms N309D.
Identifiers: ClinVar variation 940720 (VCV000940720.7), dbSNP rs1696080658, ClinGen allele CA349277917.